The following is an entry in ClinVar:

NM_001005242.3(PKP2):c.1093A>G (p.Met365Val)

Gene: PKP2 (plakophilin 2; minus strand). Cytogenetic location: 12p11.21.
Variant type: single nucleotide variant.
Coding change: c.1093A>G on transcript NM_001005242.3 (MANE Select); coding-DNA position 1093, A replaced by G.
Protein change: p.Met365Val; replaces methionine 365 with valine.
Molecular consequence: missense variant.
Genome position (GRCh38, 1-based): chr12:32,869,004, T>C on the plus strand (A>G on the coding strand, the complement: PKP2 is on the minus strand). VCF-style: chr12-32869004-T-C. GRCh37 (hg19) VCF-style: chr12-33021938-T-C.
Other names: p.M365V:ATG>GTG; c.1093A>G, p.Met365Val (NM_004572.4); short protein forms M365V.
Identifiers: ClinVar variation 164963 (VCV000164963.33), dbSNP rs143900944, ClinGen allele CA010757.
Genomic context (GRCh38, chr12:32,869,004, plus strand): 5'-ATTTCTGGAAGCACTCGTGCTGTATGAAAGTAGCTGCAGCAGAAATCCTGGATGGCAGCA[T>C]GTGGTCTGCCTCGAGCATACTCACTGCTCGCTCCAGAGTCATCTCCATGTCTGCATTCCT-3'
Protein context (NP_001005242.2, residues 355-375): RAVSMLEADH[Met365Val]LPSRISAAAT

ClinVar aggregate classification (germline): Conflicting classifications of pathogenicity. Review status: criteria provided, conflicting classifications (1 of 4 stars). 15 submissions from 15 submitters: Uncertain significance (1); Benign (1); Likely benign (10). 3 of the submissions do not count toward it. Last evaluated 2026-04-07.

Conditions:
Cardiovascular phenotype. Identifiers: MedGen CN230736.
PKP2-related disorder. Also called: PKP2-related condition.
Arrhythmogenic right ventricular cardiomyopathy (ARVD). Also called: Cardiomyopathy, ARVC; Arrhythmogenic right ventricular dysplasia; Arrhythmogenic Right Ventricular Cardiomyopathy (ARVC); Arrhythmogenic cardiomyopathy. Identifiers: Orphanet 247, MedGen C0349788, MeSH D019571, MONDO:0016587. Disease mechanism: loss of function. Inheritance: Various modes of inheritance.
Cardiomyopathy (CMYO). Also called: Cardiomyopathies. Identifiers: Orphanet 167848, MedGen C0878544, MONDO:0004994, HP:0001638. Inheritance: Various modes of inheritance.
Arrhythmogenic right ventricular dysplasia 9 (ARVD9). Also called: Arrhythmogenic Right Ventricular Dysplasia/Cardiomyopathy 9; ARRHYTHMOGENIC RIGHT VENTRICULAR DYSPLASIA, FAMILIAL, 9. Identifiers: MedGen C1836906, MONDO:0012180, OMIM 609040.

Allele frequency attached by ClinVar (database versions not stated): gnomAD 0.00006 and 0.00012; TOPMed 0.00014; ESP Exome Variant Server 0.00015; gnomAD exomes 0.00022 and 0.00027; ExAC 0.00035; 1000 Genomes Project 30x 0.00047; 1000 Genomes Project 0.00060.
gnomAD v4.1: 342 of 1,613,784 alleles (0.021%); highest among the groups gnomAD compares: South Asian, 0.13%; 1 homozygote.

Submissions (15):

PreventionGenetics, part of Exact Sciences
Classification: Likely benign for PKP2-related condition. Last evaluated: 2026-04-07. Review status: criteria provided, single submitter. Criteria: ACMG Guidelines, 2015. Collection method: clinical testing. Allele origin: germline.
Comment: This variant is classified as likely benign based on ACMG/AMP sequence variant interpretation guidelines (Richards et al. 2015 PMID: 25741868, with internal and published modifications).

Labcorp Genetics (formerly Invitae), Labcorp
Classification: Likely benign for Arrhythmogenic right ventricular dysplasia 9. Last evaluated: 2026-02-04. Review status: criteria provided, single submitter. Criteria: Invitae Variant Classification Sherloc (09022015). Collection method: clinical testing. Allele origin: germline.

Blueprint Genetics
Classification: Likely benign. Last evaluated: 2024-10-15. Review status: criteria provided, single submitter. Criteria: ACMG Guidelines, 2015. Collection method: clinical testing. Allele origin: germline.

Women's Health and Genetics/Laboratory Corporation of America, LabCorp
Classification: Likely benign. Last evaluated: 2024-08-13. Review status: criteria provided, single submitter. Criteria: LabCorp Variant Classification Summary - May 2015. Collection method: clinical testing. Allele origin: germline.
Comment: Variant summary: PKP2 c.1093A>G (p.Met365Val) results in a conservative amino acid change in the encoded protein sequence. Five of five in-silico tools predict a benign effect of the variant on protein function. The variant allele was found at a frequency of 0.00027 in 251320 control chromosomes, predominantly at a frequency of 0.0012 within the South Asian subpopulation in the gnomAD database, including 1 homozygotes. The observed variant frequency within South Asian control individuals in the gnomAD database is approximately 3 fold of the estimated maximal expected allele frequency for a pathogenic variant in PKP2 causing Arrhythmia phenotype (0.00043), suggesting a benign role for this variant. c.1093A>G has been reported in the literature in at-least one individual who showed a type I ECG after induction flecanide test (Cerrone_2014). However, subsequent reports have not supported a disease causing outcome for this variant (example, Ghouse_2017, Haggerty_2017, Chen_2018, and Campuzano_2019). Therefore, these report(s) do not provide unequivocal conclusions about association of the variant with Arrhythmia. At-least one co-occurrence with another likely pathogenic variant has been observed at our laboratory (SCN5A c.1890G>A, p.Thr630Thr). As pathogenic variants in SCN5A represent the major contribution of Brugada syndrome, this co-occurrence provides additional supporting evidence for a benign role. At least one publication reports experimental evidence evaluating an impact on protein function. The most pronounced variant effect results in 30%-50% of normal activity in a measurement of peak sodium current in cells co-expressing WT and variant constructs. However, these results have not been independently corroborated by subsequent studies. The following publications have been ascertained in the context of this evaluation (PMID: 27711072, 28471438, 30662450, 30821013, 24352520). ClinVar contains an entry for this variant (Variation ID: 164963). Based on the evidence outlined above, the variant was classified as likely benign.

All of Us Research Program, National Institutes of Health
Classification: Likely benign for Arrhythmogenic right ventricular cardiomyopathy. Last evaluated: 2024-02-05. Review status: criteria provided, single submitter. Criteria: ACMG Guidelines, 2015. Collection method: clinical testing. Allele origin: germline. Inheritance: Autosomal dominant inheritance. Observed: 39 variant alleles, 39 heterozygotes.
Comment: This study involves interpretation of variants in research participants for the purpose of population health screening. Participant phenotype was not available at the time of variant classification. Additional details can be found in publication PMID: 35346344, PMCID: PMC8962531

CHEO Genetics Diagnostic Laboratory, Children's Hospital of Eastern Ontario
Classification: Likely benign for Cardiomyopathy. Last evaluated: 2022-04-21. Review status: criteria provided, single submitter. Criteria: ACMG Guidelines, 2015. Collection method: clinical testing. Allele origin: germline.

GeneDx
Classification: Likely benign. Last evaluated: 2020-02-20. Review status: criteria provided, single submitter. Criteria: GeneDx Variant Classification Process June 2021. Collection method: clinical testing. Allele origin: germline. Affected: yes.
Comment: This variant is associated with the following publications: (PMID: 24352520, 23861362, 27711072, 28471438, 30662450, 30821013, 31402444, 32880476)

Mendelics
Classification: Benign for Arrhythmogenic right ventricular dysplasia 9. Last evaluated: 2019-05-28. Review status: criteria provided, single submitter. Criteria: Mendelics Assertion Criteria 2017. Collection method: clinical testing. Allele origin: unknown.

Ambry Genetics
Classification: Likely benign for Cardiovascular phenotype. Last evaluated: 2019-04-26. Review status: criteria provided, single submitter. Criteria: Ambry Variant Classification Scheme 2023. Collection method: clinical testing. Allele origin: germline.

Color Diagnostics, LLC DBA Color Health
Classification: Likely benign for Cardiomyopathy. Last evaluated: 2018-08-13. Review status: criteria provided, single submitter. Criteria: ACMG Guidelines, 2015. Collection method: clinical testing. Allele origin: germline.

Laboratory for Molecular Medicine, Mass General Brigham Personalized Medicine
Classification: Likely benign. Last evaluated: 2016-03-21. Review status: criteria provided, single submitter. Criteria: LMM Criteria. Collection method: clinical testing. Allele origin: germline. Observed: 1 variant allele.
Comment: Met365Val in exon 4 of PKP2: This variant is not expected to have clinical signi ficance due to a lack of conservation across species, including mammals. Of note , multiple mammals (mouse, rat, horse, and elephant) have a valine (Val) at this position despite high nearby amino acid conservation. In addition, computationa l analyses do not suggest a high likelihood of impact to the protein. This varia nt has also been identified in 0.1% (20/16512) of South Asian chromosomes, inclu ding one homozygote, by the Exome Aggregation Consortium (ExAC; dbSNP rs143900944). Additionally, this variant has been reported in one individual with Brugada snydrome, and in vitro functional studies sugges t this variant may impact protein function (Cerrone 2014); however, these types of assays may not accurately represent biological function. However, the lack of conservation and the frequency in controls suggests that it is likely to be ben ign.

Biesecker Lab/Clinical Genomics Section, National Institutes of Health
Classification: Uncertain significance. Last evaluated: 2013-06-24. Review status: criteria provided, single submitter. Criteria: Ng et al. (Circ Cardiovasc Genet. 2013). Collection method: research. Allele origin: unknown. Observed: 1 variant allele. Study: ClinSeq.
Comment: The study set was not selected for affection status in relation to any cancer. Pathogenicity categories were based on literature curation. See Pubmed ID:23861362 for details.

Medical sequencing

Clinical Genetics, Academic Medical Center
Classification: Uncertain significance. Review status: no assertion criteria provided. Collection method: clinical testing. Allele origin: germline. Affected: yes. Study: VKGL Data-share Consensus. Not counted in ClinVar's aggregate classification.

Diagnostic Laboratory, Department of Genetics, University Medical Center Groningen
Classification: Uncertain significance for Arrhythmogenic right ventricular dysplasia 9. Review status: no assertion criteria provided. Collection method: clinical testing. Allele origin: germline. Affected: yes. Study: VKGL Data-share Consensus. Not counted in ClinVar's aggregate classification.

Joint Genome Diagnostic Labs from Nijmegen and Maastricht, Radboudumc and MUMC+
Classification: Uncertain significance. Review status: no assertion criteria provided. Collection method: clinical testing. Allele origin: germline. Affected: yes. Study: VKGL Data-share Consensus. Not counted in ClinVar's aggregate classification.

Literature cited by the submitters: PubMed 27711072 (cited by Women's Health and Genetics/Laboratory Corporation of America, LabCorp); PubMed 28471438 (cited by Women's Health and Genetics/Laboratory Corporation of America, LabCorp); PubMed 30662450 (cited by Women's Health and Genetics/Laboratory Corporation of America, LabCorp); PubMed 30821013 (cited by Women's Health and Genetics/Laboratory Corporation of America, LabCorp); PubMed 24352520 (cited by Women's Health and Genetics/Laboratory Corporation of America, LabCorp and Laboratory for Molecular Medicine, Mass General Brigham Personalized Medicine).